The following is an entry in ClinVar:

ClinVar aggregate classification (germline): Uncertain significance. Review status: criteria provided, multiple submitters, no conflicts (2 of 4 stars). 2 submissions from 2 submitters: Uncertain significance (2). Last evaluated 2026-01-05.

Submissions (2):

Labcorp Genetics (formerly Invitae), Labcorp
Classification: Uncertain significance. Last evaluated: 2026-01-05. Review status: criteria provided, single submitter. Criteria: Invitae Variant Classification Sherloc (09022015). Collection method: clinical testing. Allele origin: germline.
Comment: This sequence change replaces tryptophan, which is neutral and slightly polar, with cysteine, which is neutral and slightly polar, at codon 252 of the SLC10A2 protein (p.Trp252Cys). This variant is not present in population databases (gnomAD no frequency). This variant has not been reported in the literature in individuals affected with SLC10A2-related conditions. ClinVar contains an entry for this variant (Variation ID: 502751). Invitae Evidence Modeling of protein sequence and biophysical properties (such as structural, functional, and spatial information, amino acid conservation, physicochemical variation, residue mobility, and thermodynamic stability) has been performed for this missense variant. However, the output from this modeling did not meet the statistical confidence thresholds required to predict the impact of this variant on SLC10A2 protein function. In summary, the available evidence is currently insufficient to determine the role of this variant in disease. Therefore, it has been classified as a Variant of Uncertain Significance.

Eurofins Ntd Llc (ga)
Classification: Uncertain significance. Last evaluated: 2017-06-27. Review status: criteria provided, single submitter. Criteria: EGL Classification Definitions 2015. Collection method: clinical testing. Allele origin: germline. Observed: 2 variant alleles, 2 heterozygotes.

NM_000452.3(SLC10A2):c.756G>T (p.Trp252Cys)

Gene: SLC10A2 (solute carrier family 10 member 2; minus strand). Cytogenetic location: 13q33.1.
Variant type: single nucleotide variant.
Coding change: c.756G>T on transcript NM_000452.3 (MANE Select); coding-DNA position 756, G replaced by T.
Protein change: p.Trp252Cys; replaces tryptophan 252 with cysteine.
Molecular consequence: missense variant.
Genome position (GRCh38, 1-based): chr13:103,051,262, C>A on the plus strand (G>T on the coding strand, the complement: SLC10A2 is on the minus strand). VCF-style: chr13-103051262-C-A. GRCh37 (hg19) VCF-style: chr13-103703612-C-A.
Other names: short protein forms W252C.
Identifiers: ClinVar variation 502751 (VCV000502751.8), dbSNP rs1555334120, ClinGen allele CA388606008.